The following is an entry in ClinVar:

NM_021020.5(LZTS1):c.490C>G (p.Pro164Ala)

Gene: LZTS1 (leucine zipper tumor suppressor 1; minus strand). Cytogenetic location: 8p21.3.
Variant type: single nucleotide variant.
Coding change: c.490C>G on transcript NM_021020.5 (MANE Select); coding-DNA position 490, C replaced by G.
Protein change: p.Pro164Ala; replaces proline 164 with alanine.
Molecular consequence: missense variant.
Genome position (GRCh38, 1-based): chr8:20,253,441, G>C on the plus strand (C>G on the coding strand, the complement: LZTS1 is on the minus strand). VCF-style: chr8-20253441-G-C. GRCh37 (hg19) VCF-style: chr8-20110952-G-C.
Other names: c.490C>G (NM_021020.2); c.490C>G, p.Pro164Ala (NM_001362884.2); short protein forms P164A.
Identifiers: ClinVar variation 2907061 (VCV002907061.4), dbSNP rs771480443, ClinGen allele CA4657508.

ClinVar aggregate classification (germline): Uncertain significance. Review status: criteria provided, multiple submitters, no conflicts (2 of 4 stars). 2 submissions from 2 submitters: Uncertain significance (2). Last evaluated 2025-10-01.

Allele frequency attached by ClinVar (database versions not stated): gnomAD 0.00001; TOPMed 0.00001; gnomAD exomes 0.00002; ExAC 0.00003.
gnomAD v4.1: 28 of 1,611,800 alleles (0.0017%); highest among the groups gnomAD compares: South Asian, 0.029%; 1 homozygote.

Submissions (2):

Ambry Genetics
Classification: Uncertain significance. Last evaluated: 2025-10-01. Review status: criteria provided, single submitter. Criteria: Ambry Variant Classification Scheme 2023. Collection method: clinical testing. Allele origin: germline.

Labcorp Genetics (formerly Invitae), Labcorp
Classification: Uncertain significance. Last evaluated: 2023-07-26. Review status: criteria provided, single submitter. Criteria: Invitae Variant Classification Sherloc (09022015). Collection method: clinical testing. Allele origin: germline.
Comment: In summary, the available evidence is currently insufficient to determine the role of this variant in disease. Therefore, it has been classified as a Variant of Uncertain Significance. Advanced modeling of protein sequence and biophysical properties (such as structural, functional, and spatial information, amino acid conservation, physicochemical variation, residue mobility, and thermodynamic stability) performed at Invitae indicates that this missense variant is not expected to disrupt LZTS1 protein function. This variant has not been reported in the literature in individuals affected with LZTS1-related conditions. This variant is present in population databases (rs771480443, gnomAD 0.01%). This sequence change replaces proline, which is neutral and non-polar, with alanine, which is neutral and non-polar, at codon 164 of the LZTS1 protein (p.Pro164Ala).